The following is an entry in ClinVar:

ClinVar aggregate classification (germline): Uncertain significance. Review status: criteria provided, multiple submitters, no conflicts (2 of 4 stars). 3 submissions from 3 submitters: Uncertain significance (3). Last evaluated 2025-02-13.

Conditions:
Inborn genetic diseases. Identifiers: MedGen C0950123, MeSH D030342.

Allele frequency attached by ClinVar (database versions not stated): gnomAD 0.00002 and 0.00003; gnomAD exomes 0.00003 and 0.00008; TOPMed 0.00003; ExAC 0.00009.
gnomAD v4.1: 57 of 1,613,026 alleles (0.0035%); highest among the groups gnomAD compares: Admixed American, 0.012%; 1 homozygote.

Submissions (3):

Ambry Genetics
Classification: Uncertain significance for Inborn genetic diseases. Last evaluated: 2025-02-13. Review status: criteria provided, single submitter. Criteria: Ambry Variant Classification Scheme 2023. Collection method: clinical testing. Allele origin: germline.

GeneDx
Classification: Uncertain significance. Last evaluated: 2024-08-07. Review status: criteria provided, single submitter. Criteria: GeneDx Variant Classification Process June 2021. Collection method: clinical testing. Allele origin: germline. Affected: yes.
Comment: In silico analysis supports that this missense variant has a deleterious effect on protein structure/function; Has not been previously published as pathogenic or benign to our knowledge

Labcorp Genetics (formerly Invitae), Labcorp
Classification: Uncertain significance. Last evaluated: 2022-05-19. Review status: criteria provided, single submitter. Criteria: Invitae Variant Classification Sherloc (09022015). Collection method: clinical testing. Allele origin: germline.
Comment: This sequence change replaces proline, which is neutral and non-polar, with leucine, which is neutral and non-polar, at codon 2083 of the CDH23 protein (p.Pro2083Leu). This variant is present in population databases (rs752271639, gnomAD 0.01%). This variant has not been reported in the literature in individuals affected with CDH23-related conditions. Algorithms developed to predict the effect of missense changes on protein structure and function are either unavailable or do not agree on the potential impact of this missense change (SIFT: "Tolerated"; PolyPhen-2: "Not Available"; Align-GVGD: "Class C0"). In summary, the available evidence is currently insufficient to determine the role of this variant in disease. Therefore, it has been classified as a Variant of Uncertain Significance.

NM_022124.6(CDH23):c.6248C>T (p.Pro2083Leu)

Gene: CDH23 (cadherin related 23; plus strand). Cytogenetic location: 10q22.1.
Variant type: single nucleotide variant.
Coding change: c.6248C>T on transcript NM_022124.6 (MANE Select); coding-DNA position 6248, C replaced by T.
Protein change: p.Pro2083Leu; replaces proline 2083 with leucine.
Molecular consequence: missense variant.
Genome position (GRCh38, 1-based): chr10:71,791,330, C>T. VCF-style: chr10-71791330-C-T. GRCh37 (hg19) VCF-style: chr10-73551087-C-T.
Other names: short protein forms P2083L.
Identifiers: ClinVar variation 1382285 (VCV001382285.8), dbSNP rs752271639, ClinGen allele CA5546029.
Genomic context (GRCh38, chr10:71,791,330, plus strand): 5'-ATGACAACCGGCCCACCTTTAGCCCTGCCACCCTCACTGTCCATCTGCTAGAGAACTGCC[C>T]GCCTGGTAAGCAGGGGACAGGCCCCAGCACCCCACAACCAGGGGCCGGTTGGTGGTCACA-3'
Protein context (NP_071407.4, residues 2073-2093): TLTVHLLENC[Pro2083Leu]PGFSVLQVTA